The following is an entry in ClinVar:

ClinVar aggregate classification (germline): Uncertain significance (1 of 4 stars; one submission).

gnomAD v4.1: 2 of 1,614,182 alleles (0.00012%); highest among the groups gnomAD compares: Non-Finnish European, 0.00017%; no homozygotes.

Submission:

Ambry Genetics
Classification: Uncertain significance. Last evaluated: 2024-11-18. Review status: criteria provided, single submitter. Criteria: Ambry Variant Classification Scheme 2023. Collection method: clinical testing. Allele origin: germline.
Comment: The p.T1136K variant (also known as c.3407C>A), located in coding exon 28 of the A2ML1 gene, results from a C to A substitution at nucleotide position 3407. The threonine at codon 1136 is replaced by lysine, an amino acid with similar properties. This amino acid position is conserved. In addition, the in silico prediction for this alteration is inconclusive. Based on the available evidence, the clinical significance of this variant remains unclear.

NM_144670.6(A2ML1):c.3407C>A (p.Thr1136Lys)

Gene: A2ML1 (alpha-2-macroglobulin like 1; plus strand). Cytogenetic location: 12p13.31.
Variant type: single nucleotide variant.
Coding change: c.3407C>A on transcript NM_144670.6 (MANE Select); coding-DNA position 3407, C replaced by A.
Protein change: p.Thr1136Lys; replaces threonine 1136 with lysine.
Molecular consequence: missense variant.
Genome position (GRCh38, 1-based): chr12:8,861,202, C>A. VCF-style: chr12-8861202-C-A. GRCh37 (hg19) VCF-style: chr12-9013798-C-A.
Other names: c.1934C>A, p.Thr645Lys (NM_001282424.3); short protein forms T645K, T1136K.
Identifiers: ClinVar variation 3538471 (VCV003538471.1).